The following is an entry in ClinVar:

ClinVar aggregate classification (germline): Uncertain significance. Review status: criteria provided, multiple submitters, no conflicts (2 of 4 stars). 2 submissions from 2 submitters: Uncertain significance (2). Last evaluated 2025-08-31.

Conditions:
Emery-Dreifuss muscular dystrophy (EDMD). Also called: Scapuloperoneal syndrome, X-linked (formerly); Humeroperoneal neuromuscular disease, (formerly). Identifiers: Orphanet 261, MedGen C0410189, MONDO:0016830.

gnomAD v4.1: 18 of 1,613,500 alleles (0.0011%); highest among the groups gnomAD compares: South Asian, 0.0088%; no homozygotes.

Submissions (2):

Ambry Genetics
Classification: Uncertain significance. Last evaluated: 2025-08-31. Review status: criteria provided, single submitter. Criteria: Ambry Variant Classification Scheme 2023. Collection method: clinical testing. Allele origin: germline.

Labcorp Genetics (formerly Invitae), Labcorp
Classification: Uncertain significance for Emery-Dreifuss muscular dystrophy. Last evaluated: 2025-01-29. Review status: criteria provided, single submitter. Criteria: Invitae Variant Classification Sherloc (09022015). Collection method: clinical testing. Allele origin: germline.
Comment: This sequence change replaces alanine, which is neutral and non-polar, with valine, which is neutral and non-polar, at codon 508 of the SUN2 protein (p.Ala508Val). This variant is present in population databases (rs770399092, gnomAD 0.006%). This variant has not been reported in the literature in individuals affected with SUN2-related conditions. An algorithm developed to predict the effect of missense changes on protein structure and function outputs the following: PolyPhen-2: "Benign". The valine amino acid residue is found in multiple mammalian species, which suggests that this missense change does not adversely affect protein function. In summary, the available evidence is currently insufficient to determine the role of this variant in disease. Therefore, it has been classified as a Variant of Uncertain Significance.

NM_015374.3(SUN2):c.1523C>T (p.Ala508Val)

Genes: SUN2 (Sad1 and UNC84 domain containing 2; minus strand), GTPBP1 (GTP binding protein 1; plus strand). Cytogenetic location: 22q13.1.
Variant type: single nucleotide variant.
Coding change: c.1523C>T on transcript NM_015374.3 (MANE Select); coding-DNA position 1523, C replaced by T.
Protein change: p.Ala508Val; replaces alanine 508 with valine.
Molecular consequence: missense variant.
Genome position (GRCh38, 1-based): chr22:38,739,777, G>A on the plus strand (C>T on the coding strand, the complement: SUN2 is on the minus strand). VCF-style: chr22-38739777-G-A. GRCh37 (hg19) VCF-style: chr22-39135782-G-A.
Other names: c.1523C>T (NM_015374.2); c.1586C>T, p.Ala529Val (NM_001199579.2, NM_001394428.1); c.1523C>T, p.Ala508Val (NM_001199580.2, NM_001394431.1, NM_001394432.1 and 5 more transcripts); c.1616C>T, p.Ala539Val (NM_001394427.1); c.1568C>T, p.Ala523Val (NM_001394429.1, NM_001394430.1); c.1433C>T, p.Ala478Val (NM_001394438.1); c.1385C>T, p.Ala462Val (NM_001394439.1, NM_001394440.1, NM_001394441.1); c.1124C>T, p.Ala375Val (NM_001394442.1); and 2 more; short protein forms A344V, A508V, A316V, A375V, A478V, A529V, A539V, A462V.
Identifiers: ClinVar variation 3705753 (VCV003705753.3).
Genomic context (GRCh38, chr22:38,739,777, plus strand): 5'-CTCACCTCCTCTGTCACTCCAATCACACCTTCTTTCTGCAGCGTCAGGCTCAGGGAGGCC[G>A]CGGCTTCCCTGGCCGACTTGCCCTGCATCTCTGCCACATGGGTGAGGATCTTGCTCTCCA-3'
Protein context (NP_056189.1, residues 498-518): EMQGKSAREA[Ala508Val]ASLSLTLQKE